The following is an entry in ClinVar:

ClinVar aggregate classification (germline): Pathogenic. Review status: reviewed by expert panel (3 of 4 stars). 5 submissions from 5 submitters: Pathogenic (1). 4 of the submissions do not count toward it. Last evaluated 2016-09-08.

Conditions:
Hereditary cancer-predisposing syndrome. Also called: Tumor predisposition; Hereditary Cancer Syndrome; Hereditary neoplastic syndrome; Neoplastic Syndromes, Hereditary. Identifiers: Orphanet 140162, MedGen C0027672, MeSH D009386, MONDO:0015356.
Hereditary breast ovarian cancer syndrome. Also called: Breast and ovarian cancer; Hereditary breast and ovarian cancer syndrome; Hereditary breast and ovarian cancer; BRCA1- and BRCA2-Associated Hereditary Breast and Ovarian Cancer; Hereditary breast and ovarian cancer syndrome (HBOC); Hereditary breast and/or ovarian cancer syndrome. Identifiers: Orphanet 145, MedGen C0677776, MeSH D061325, MONDO:0003582. Disease mechanism: loss of function.
Breast-ovarian cancer, familial, susceptibility to, 2 (BROVCA2). Also called: BRCA2 Hereditary Breast and Ovarian Cancer. Identifiers: Orphanet 145, MedGen C2675520, MONDO:0012933, OMIM 612555. Disease mechanism: loss of function.

Submissions (5):

Evidence-based Network for the Interpretation of Germline Mutant Alleles (ENIGMA)
Classification: Pathogenic for Breast-ovarian cancer, familial, susceptibility to, 2. Last evaluated: 2016-09-08. Review status: reviewed by expert panel. Criteria: ENIGMA BRCA1/2 Classification Criteria (2015). Collection method: curation. Allele origin: germline.
Comment: Variant allele predicted to encode a truncated non-functional protein.

GeneDx
Classification: Pathogenic. Last evaluated: 2025-04-21. Review status: criteria provided, single submitter. Criteria: GeneDx Variant Classification Process June 2021. Collection method: clinical testing. Allele origin: germline. Affected: yes. Not counted in ClinVar's aggregate classification.
Comment: Frameshift variant predicted to result in protein truncation or nonsense mediated decay in a gene for which loss of function is a known mechanism of disease; Not observed at significant frequency in large population cohorts (gnomAD); Truncating variants in this gene are considered pathogenic by a well-established clinical consortium and/or database; Has not been previously published as pathogenic or benign in association with a BRCA2-related disorder to our knowledge; Also known as 9956del; This variant is associated with the following publications: (PMID: 26681312, 29446198)

Ambry Genetics
Classification: Pathogenic for Hereditary cancer-predisposing syndrome. Last evaluated: 2023-12-08. Review status: criteria provided, single submitter. Criteria: Ambry Variant Classification Scheme 2023. Collection method: clinical testing. Allele origin: germline. Not counted in ClinVar's aggregate classification.
Comment: The c.9728delC pathogenic mutation, located in coding exon 26 of the BRCA2 gene, results from a deletion of one nucleotide at nucleotide position 9728, causing a translational frameshift with a predicted alternate stop codon (p.P3243Lfs*6). This alteration was identified in 1/10030 consecutive patients referred for evaluation by an NGS hereditary cancer panel (Susswein LR et al. Genet. Med. 2016 08;18:823-32). This alteration was identified in a large, worldwide study of BRCA1/2 mutation positive families (Rebbeck TR et al. Hum. Mutat. 2018 05;39:593-620). This alteration is expected to result in loss of function by premature protein truncation. As such, this alteration is interpreted as a disease-causing mutation.

Labcorp Genetics (formerly Invitae), Labcorp
Classification: Pathogenic for Hereditary breast ovarian cancer syndrome. Last evaluated: 2019-02-27. Review status: criteria provided, single submitter. Criteria: Invitae Variant Classification Sherloc (09022015). Collection method: clinical testing. Allele origin: germline. Not counted in ClinVar's aggregate classification.
Comment: This sequence change results in a premature translational stop signal in the BRCA2 gene (p.Pro3243Leufs*6). While this is not anticipated to result in nonsense mediated decay, it is expected to disrupt the last 176 amino acids of the BRCA2 protein. For these reasons, this variant has been classified as Pathogenic. This variant disrupts the C-terminus of the BRCA2 protein. Other variant(s) that disrupt this region (p.Tyr3308*) have been determined to be pathogenic (PMID: 18593900, 18607349, 17026620, 22711857). This suggests that variants that disrupt this region of the protein are likely to be causative of disease. This variant has been observed in an individual affected with cancer of an unspecified type (PMID: 26681312). ClinVar contains an entry for this variant (Variation ID: 182325). This variant is not present in population databases (ExAC no frequency).

Consortium of Investigators of Modifiers of BRCA1/2 (CIMBA), c/o University of Cambridge
Classification: Pathogenic for Breast-ovarian cancer, familial, susceptibility to, 2. Last evaluated: 2015-10-02. Review status: criteria provided, single submitter. Criteria: CIMBA Mutation Classification guidelines May 2016. Collection method: clinical testing. Allele origin: germline. Not counted in ClinVar's aggregate classification.

Literature cited by the submitters: PubMed 26681312 (cited by Ambry Genetics and Labcorp Genetics (formerly Invitae), Labcorp); PubMed 29446198 (cited by Ambry Genetics); PubMed 18593900 (cited by Labcorp Genetics (formerly Invitae), Labcorp); PubMed 18607349 (cited by Labcorp Genetics (formerly Invitae), Labcorp); PubMed 17026620 (cited by Labcorp Genetics (formerly Invitae), Labcorp); PubMed 22711857 (cited by Labcorp Genetics (formerly Invitae), Labcorp).

NM_000059.4(BRCA2):c.9728del (p.Pro3243fs)

Gene: BRCA2 (BRCA2 DNA repair associated; plus strand). Cytogenetic location: 13q13.1.
Variant type: Deletion.
Coding change: c.9728del on transcript NM_000059.4 (MANE Select); coding-DNA position 9728, one base deleted (C; older notation c.9728delC).
Protein change: p.Pro3243fs; shifts the reading frame from proline 3243.
Molecular consequence: frameshift variant.
Genome position (GRCh38, 1-based): chr13:32,398,241, C deleted; the last of 2 consecutive C bases (chr13:32,398,240-32,398,241); deleting either gives the same sequence. VCF-style (leftmost placement, unchanged base first): chr13-32398239-AC-A. GRCh37 (hg19) VCF-style: chr13-32972376-AC-A.
Other names: c.9728delC (NM_000059.3).
Identifiers: ClinVar variation 182325 (VCV000182325.21), dbSNP rs730881618, ClinGen allele CA026286.